The following is an entry in ClinVar:

ClinVar aggregate classification (germline): Pathogenic (1 of 4 stars; one submission).

Conditions:
Autosomal recessive polycystic kidney disease (ARPKD). Also called: AR polycystic kidney disease. Identifiers: Orphanet 731, Orphanet 8378, MedGen C0085548, MeSH D017044, MONDO:0009889.

Submission:

Labcorp Genetics (formerly Invitae), Labcorp
Classification: Pathogenic for Autosomal recessive polycystic kidney disease. Last evaluated: 2020-10-01. Review status: criteria provided, single submitter. Criteria: Invitae Variant Classification Sherloc (09022015). Collection method: clinical testing. Allele origin: germline.
Comment: For these reasons, this variant has been classified as Pathogenic. Loss-of-function variants in PKHD1 are known to be pathogenic (PMID: 19940839). Algorithms developed to predict the effect of sequence changes on RNA splicing suggest that this variant may create or strengthen a splice site, but this prediction has not been confirmed by published transcriptional studies. This variant has not been reported in the literature in individuals with PKHD1-related conditions. This variant is not present in population databases (ExAC no frequency). This sequence change creates a premature translational stop signal (p.Glu696Argfs*9) in the PKHD1 gene. It is expected to result in an absent or disrupted protein product.

Literature cited by the submitters: PubMed 19940839.

NM_138694.4(PKHD1):c.2085_2086insA (p.Glu696fs)

Gene: PKHD1 (PKHD1 ciliary IPT domain containing fibrocystin/polyductin; minus strand). Cytogenetic location: 6p12.2.
Variant type: Insertion.
Coding change: c.2085_2086insA on transcript NM_138694.4 (MANE Select); coding-DNA positions 2085 to 2086, A inserted.
Protein change: p.Glu696fs; shifts the reading frame from glutamic acid 696.
Molecular consequence: frameshift variant.
Genome position: GRCh38 VCF-style: chr6-52053130-C-CT. GRCh37 (hg19) VCF-style: chr6-51917928-C-CT.
Other names: c.2085_2086insA, p.Glu696fs (NM_170724.3); short protein forms E696fs.
Identifiers: ClinVar variation 1076600 (VCV001076600.7), dbSNP rs2128203474, ClinGen allele CA2499218387.